The following is an entry in ClinVar:

NM_000435.3(NOTCH3):c.265G>T (p.Gly89Cys)

Gene: NOTCH3 (notch receptor 3; minus strand). Cytogenetic location: 19p13.12.
Variant type: single nucleotide variant.
Coding change: c.265G>T on transcript NM_000435.3 (MANE Select); coding-DNA position 265, G replaced by T.
Protein change: p.Gly89Cys; replaces glycine 89 with cysteine.
Molecular consequence: missense variant.
Genome position (GRCh38, 1-based): chr19:15,192,452, C>A on the plus strand (G>T on the coding strand, the complement: NOTCH3 is on the minus strand). VCF-style: chr19-15192452-C-A. GRCh37 (hg19) VCF-style: chr19-15303263-C-A.
Other names: c.265G>T (NM_000435.2); short protein forms G89C.
Identifiers: ClinVar variation 3026521 (VCV003026521.23), dbSNP rs2145443452, ClinGen allele CA404535009.

ClinVar aggregate classification (germline): Likely pathogenic. Review status: criteria provided, single submitter (1 of 4 stars). 2 submissions from 2 submitters: Likely pathogenic (1). 1 of the submissions does not count toward it. Last evaluated 2024-01-01.

Conditions:
Cerebral arteriopathy with subcortical infarcts and leukoencephalopathy. Also called: Cerebral autosomal dominant arteriopathy with subcortical infarcts and leukoencephalopathy. Identifiers: MedGen C0751587, MONDO:0007432.

Submissions (2):

CeGaT Center for Human Genetics Tuebingen
Classification: Likely pathogenic. Last evaluated: 2024-01-01. Review status: criteria provided, single submitter. Criteria: CeGaT Center For Human Genetics Tuebingen Variant Classification Criteria Version 2. Collection method: clinical testing. Allele origin: germline. Affected: yes. Observed: 1 variant allele.
Comment: NOTCH3: PM1:Strong, PM2, PS4:Moderate, PP4

Molecular Genetics Laboratory, BC Children's and BC Women's Hospitals
Classification: Likely pathogenic for Cerebral arteriopathy with subcortical infarcts and leukoencephalopathy. Last evaluated: 2024-08-29. Review status: no assertion criteria provided. Criteria: ACMG Guidelines, 2015. Collection method: clinical testing. Allele origin: germline. Affected: yes. Not counted in ClinVar's aggregate classification.